The following is an entry in ClinVar:

ClinVar aggregate classification (germline): Likely benign (0 of 4 stars; one submission).

Conditions:
PLXNA3-related disorder. Also called: PLXNA3-related condition.

Allele frequency attached by ClinVar (database versions not stated): ExAC 0.00001; gnomAD 0.00001; TOPMed 0.00001; gnomAD exomes 0.00004.
gnomAD v4.1: 40 of 1,209,878 alleles (0.0033%); highest among the groups gnomAD compares: Non-Finnish European, 0.0041%; no homozygotes.

Submission:

PreventionGenetics, part of Exact Sciences
Classification: Likely benign for PLXNA3-related condition. Last evaluated: 2022-09-30. Review status: no assertion criteria provided. Collection method: clinical testing. Allele origin: germline.
Comment: This variant is classified as likely benign based on ACMG/AMP sequence variant interpretation guidelines (Richards et al. 2015 PMID: 25741868, with internal and published modifications).

NM_017514.5(PLXNA3):c.1845G>T (p.Val615=)

Gene: PLXNA3 (plexin A3; plus strand). Cytogenetic location: Xq28.
Variant type: single nucleotide variant.
Coding change: c.1845G>T on transcript NM_017514.5 (MANE Select); coding-DNA position 1845, G replaced by T.
Protein change: p.Val615=; no amino-acid change (valine 615 retained).
Molecular consequence: synonymous variant.
Genome position (GRCh38, 1-based): chrX:154,464,418, G>T. VCF-style: chrX-154464418-G-T. GRCh37 (hg19) VCF-style: chrX-153692761-G-T.
Identifiers: ClinVar variation 3049754 (VCV003049754.2), dbSNP rs781804704, ClinGen allele CA10564197.